The following is an entry in ClinVar:

NM_006231.4(POLE):c.587A>C (p.Gln196Pro)

Gene: POLE (DNA polymerase epsilon, catalytic subunit; minus strand). Cytogenetic location: 12q24.33.
Variant type: single nucleotide variant.
Coding change: c.587A>C on transcript NM_006231.4 (MANE Select); coding-DNA position 587, A replaced by C.
Protein change: p.Gln196Pro; replaces glutamine 196 with proline.
Molecular consequence: missense variant.
Genome position (GRCh38, 1-based): chr12:132,677,711, T>G on the plus strand (A>C on the coding strand, the complement: POLE is on the minus strand). VCF-style: chr12-132677711-T-G. GRCh37 (hg19) VCF-style: chr12-133254297-T-G.
Other names: c.587A>C (NM_006231.2); short protein forms Q196P.
Identifiers: ClinVar variation 960763 (VCV000960763.10), dbSNP rs770126315, ClinGen allele CA387365471.

ClinVar aggregate classification (germline): Conflicting classifications of pathogenicity. Review status: criteria provided, conflicting classifications (1 of 4 stars). 2 submissions from 2 submitters: Uncertain significance (1); Likely benign (1). Last evaluated 2025-12-15.

Conditions:
Hereditary cancer-predisposing syndrome. Also called: Tumor predisposition; Hereditary neoplastic syndrome; Hereditary Cancer Syndrome; Neoplastic Syndromes, Hereditary. Identifiers: Orphanet 140162, MedGen C0027672, MeSH D009386, MONDO:0015356.

Allele frequency attached by ClinVar (database versions not stated): gnomAD 0.00001.
gnomAD v4.1: 2 of 1,613,852 alleles (0.00012%); highest among the groups gnomAD compares: Non-Finnish European, 0.00017%; no homozygotes.

Submissions (2):

Ambry Genetics
Classification: Likely benign for Hereditary cancer-predisposing syndrome. Last evaluated: 2025-12-15. Review status: criteria provided, single submitter. Criteria: Ambry Variant Classification Scheme 2023. Collection method: clinical testing. Allele origin: germline.

Labcorp Genetics (formerly Invitae), Labcorp
Classification: Uncertain significance. Last evaluated: 2024-04-08. Review status: criteria provided, single submitter. Criteria: Invitae Variant Classification Sherloc (09022015). Collection method: clinical testing. Allele origin: germline.
Comment: This sequence change replaces glutamine, which is neutral and polar, with proline, which is neutral and non-polar, at codon 196 of the POLE protein (p.Gln196Pro). This variant is present in population databases (no rsID available, gnomAD 0.0009%). This variant has not been reported in the literature in individuals affected with POLE-related conditions. ClinVar contains an entry for this variant (Variation ID: 960763). Advanced modeling of protein sequence and biophysical properties (such as structural, functional, and spatial information, amino acid conservation, physicochemical variation, residue mobility, and thermodynamic stability) performed at Invitae indicates that this missense variant is not expected to disrupt POLE protein function with a negative predictive value of 80%. In summary, the available evidence is currently insufficient to determine the role of this variant in disease. Therefore, it has been classified as a Variant of Uncertain Significance.